The following is an entry in ClinVar:

NM_175914.5(HNF4A):c.356G>A (p.Arg119Lys)

Gene: HNF4A (hepatocyte nuclear factor 4 alpha; plus strand). Cytogenetic location: 20q13.12.
Variant type: single nucleotide variant.
Coding change: c.356G>A on transcript NM_175914.5 (MANE Select); coding-DNA position 356, G replaced by A.
Protein change: p.Arg119Lys; replaces arginine 119 with lysine.
Molecular consequence: missense variant.
Genome position (GRCh38, 1-based): chr20:44,413,730, G>A. VCF-style: chr20-44413730-G-A. GRCh37 (hg19) VCF-style: chr20-43042370-G-A.
Other names: c.422G>A, p.Arg141Lys (NM_000457.6, NM_178849.3, NM_178850.3); c.356G>A, p.Arg119Lys (NM_001030003.3, NM_001030004.3); c.401G>A, p.Arg134Lys (NM_001258355.2); c.347G>A, p.Arg116Lys (NM_001287182.2, NM_001287183.2, NM_001287184.2); short protein forms R141K, R119K, R134K, R116K.
Identifiers: ClinVar variation 4721534 (VCV004721534.1).

ClinVar aggregate classification (germline): Uncertain significance (1 of 4 stars; one submission).

Submission:

Labcorp Genetics (formerly Invitae), Labcorp
Classification: Uncertain significance. Last evaluated: 2025-10-13. Review status: criteria provided, single submitter. Criteria: Invitae Variant Classification Sherloc (09022015). Collection method: clinical testing. Allele origin: germline.
Comment: This sequence change replaces arginine, which is basic and polar, with lysine, which is basic and polar, at codon 119 of the HNF4A protein (p.Arg119Lys). This variant is not present in population databases (gnomAD no frequency). This variant has not been reported in the literature in individuals affected with HNF4A-related conditions. Invitae Evidence Modeling of protein sequence and biophysical properties (such as structural, functional, and spatial information, amino acid conservation, physicochemical variation, residue mobility, and thermodynamic stability) has been performed for this missense variant. However, the output from this modeling did not meet the statistical confidence thresholds required to predict the impact of this variant on HNF4A protein function. In summary, the available evidence is currently insufficient to determine the role of this variant in disease. Therefore, it has been classified as a Variant of Uncertain Significance.